The following is an entry in ClinVar:

ClinVar aggregate classification (germline): Uncertain significance (1 of 4 stars; one submission).

Submission:

GeneDx
Classification: Uncertain significance. Last evaluated: 2024-10-10. Review status: criteria provided, single submitter. Criteria: GeneDx Variant Classification Process June 2021. Collection method: clinical testing. Allele origin: germline. Affected: yes.
Comment: Not observed at significant frequency in large population cohorts (gnomAD); In silico analysis supports that this missense variant has a deleterious effect on protein structure/function; Has not been previously published as pathogenic or benign to our knowledge

NM_006133.3(DAGLA):c.1655A>G (p.Lys552Arg)

Gene: DAGLA (diacylglycerol lipase alpha; plus strand). Cytogenetic location: 11q12.2.
Variant type: single nucleotide variant.
Coding change: c.1655A>G on transcript NM_006133.3 (MANE Select); coding-DNA position 1655, A replaced by G.
Protein change: p.Lys552Arg; replaces lysine 552 with arginine.
Molecular consequence: missense variant.
Genome position (GRCh38, 1-based): chr11:61,738,206, A>G. VCF-style: chr11-61738206-A-G. GRCh37 (hg19) VCF-style: chr11-61505678-A-G.
Other names: short protein forms K552R.
Identifiers: ClinVar variation 3777688 (VCV003777688.1).